The following is an entry in ClinVar:

NM_000094.4(COL7A1):c.2315C>G (p.Ala772Gly)

Gene: COL7A1 (collagen type VII alpha 1 chain; minus strand). Cytogenetic location: 3p21.31.
Variant type: single nucleotide variant.
Coding change: c.2315C>G on transcript NM_000094.4 (MANE Select); coding-DNA position 2315, C replaced by G.
Protein change: p.Ala772Gly; replaces alanine 772 with glycine.
Molecular consequence: missense variant.
Genome position (GRCh38, 1-based): chr3:48,588,995, G>C on the plus strand (C>G on the coding strand, the complement: COL7A1 is on the minus strand). VCF-style: chr3-48588995-G-C. GRCh37 (hg19) VCF-style: chr3-48626428-G-C.
Other names: short protein forms A772G.
Identifiers: ClinVar variation 1961689 (VCV001961689.2), dbSNP rs1300908136, ClinGen allele CA352721546.

ClinVar aggregate classification (germline): Uncertain significance (1 of 4 stars; one submission).

Submission:

Labcorp Genetics (formerly Invitae), Labcorp
Classification: Uncertain significance. Last evaluated: 2021-07-25. Review status: criteria provided, single submitter. Criteria: Invitae Variant Classification Sherloc (09022015). Collection method: clinical testing. Allele origin: germline.
Comment: This sequence change replaces alanine with glycine at codon 772 of the COL7A1 protein (p.Ala772Gly). The alanine residue is moderately conserved and there is a small physicochemical difference between alanine and glycine. This variant is not present in population databases (ExAC no frequency). This variant has not been reported in the literature in individuals affected with COL7A1-related conditions. Algorithms developed to predict the effect of missense changes on protein structure and function are either unavailable or do not agree on the potential impact of this missense change (SIFT: "Tolerated"; PolyPhen-2: "Not Available"; Align-GVGD: "Class C0"). In summary, the available evidence is currently insufficient to determine the role of this variant in disease. Therefore, it has been classified as a Variant of Uncertain Significance.